The following is an entry in ClinVar:

NM_001007157.2(PHF14):c.1419A>G (p.Gln473=)

Gene: PHF14 (PHD finger protein 14; plus strand). Cytogenetic location: 7p21.3.
Variant type: single nucleotide variant.
Coding change: c.1419A>G on transcript NM_001007157.2 (MANE Select); coding-DNA position 1419, A replaced by G.
Protein change: p.Gln473=; no amino-acid change (glutamine 473 retained).
Molecular consequence: synonymous variant. On other transcripts: non-coding transcript variant (2).
Genome position (GRCh38, 1-based): chr7:11,028,782, A>G. VCF-style: chr7-11028782-A-G. GRCh37 (hg19) VCF-style: chr7-11068409-A-G.
Other names: NC_000007.13:g.11068409A>G; c.1419A>G, p.Gln473= (NM_014660.4).
Identifiers: ClinVar variation 2657323 (VCV002657323.25), dbSNP rs140828362, ClinGen allele CA4162984.

ClinVar aggregate classification (germline): Likely benign (1 of 4 stars; one submission).

Allele frequency attached by ClinVar (database versions not stated): gnomAD exomes 0.00024; ExAC 0.00075; gnomAD 0.00224; ESP Exome Variant Server 0.00229; TOPMed 0.00276; 1000 Genomes Project 0.00379.
gnomAD v4.1: 699 of 1,613,816 alleles (0.043%); highest among the groups gnomAD compares: African/African-American, 0.82%; 4 homozygotes.

Submissions (2):

CeGaT Center for Human Genetics Tuebingen
Classification: Likely benign. Last evaluated: 2022-05-01. Review status: criteria provided, single submitter. Criteria: CeGaT Center For Human Genetics Tuebingen Variant Classification Criteria Version 2. Collection method: clinical testing. Allele origin: germline. Affected: yes. Observed: 2 variant alleles.
Comment: PHF14: BP4, BP7

Dr. Peter K. Rogan Lab, Western University
No classification provided (evidence only). Condition: Hepatocellular carcinoma. Review status: no classification provided. Collection method: in vitro. Allele origin: not applicable. Functional consequence: retained intron. Not counted in ClinVar's aggregate classification.